The following is an entry in ClinVar:

NM_000213.5(ITGB4):c.758C>T (p.Pro253Leu)

Gene: ITGB4 (integrin subunit beta 4; plus strand). Cytogenetic location: 17q25.1.
Variant type: single nucleotide variant.
Coding change: c.758C>T on transcript NM_000213.5 (MANE Select); coding-DNA position 758, C replaced by T.
Protein change: p.Pro253Leu; replaces proline 253 with leucine.
Molecular consequence: missense variant.
Genome position (GRCh38, 1-based): chr17:75,730,260, C>T. VCF-style: chr17-75730260-C-T. GRCh37 (hg19) VCF-style: chr17-73726341-C-T.
Other names: c.758C>T, p.Pro253Leu (NM_001005619.2, NM_001005731.3, NM_001321123.2); short protein forms P253L.
Identifiers: ClinVar variation 3610370 (VCV003610370.2).

ClinVar aggregate classification (germline): Uncertain significance (1 of 4 stars; one submission).

gnomAD v4.1: 23 of 1,612,822 alleles (0.0014%); highest among the groups gnomAD compares: South Asian, 0.0044%; no homozygotes.

Submission:

Labcorp Genetics (formerly Invitae), Labcorp
Classification: Uncertain significance. Last evaluated: 2024-06-05. Review status: criteria provided, single submitter. Criteria: Invitae Variant Classification Sherloc (09022015). Collection method: clinical testing. Allele origin: germline.
Comment: This sequence change replaces proline, which is neutral and non-polar, with leucine, which is neutral and non-polar, at codon 253 of the ITGB4 protein (p.Pro253Leu). This variant is present in population databases (rs768219131, gnomAD 0.006%). This variant has not been reported in the literature in individuals affected with ITGB4-related conditions. Advanced modeling of protein sequence and biophysical properties (such as structural, functional, and spatial information, amino acid conservation, physicochemical variation, residue mobility, and thermodynamic stability) performed at Invitae indicates that this missense variant is not expected to disrupt ITGB4 protein function with a negative predictive value of 80%. In summary, the available evidence is currently insufficient to determine the role of this variant in disease. Therefore, it has been classified as a Variant of Uncertain Significance.